The following is an entry in ClinVar:

ClinVar aggregate classification (germline): Likely benign (1 of 4 stars; one submission).

Conditions:
MYCBP2-related disorder. Also called: MYCBP2-related condition.

gnomAD v4.1: 451 of 1,613,362 alleles (0.028%); highest among the groups gnomAD compares: African/African-American, 0.55%; 2 homozygotes.

Submission:

PreventionGenetics, part of Exact Sciences
Classification: Likely benign for MYCBP2-related condition. Last evaluated: 2026-06-15. Review status: criteria provided, single submitter. Criteria: ACMG Guidelines, 2015. Collection method: clinical testing. Allele origin: germline.
Comment: This variant is classified as likely benign based on ACMG/AMP sequence variant interpretation guidelines (Richards et al. 2015 PMID: 25741868, with internal and published modifications).

NM_015057.5(MYCBP2):c.11481G>A (p.Lys3827=)

Genes: MYCBP2 (MYC binding protein 2; minus strand), MYCBP2-AS1 (MYCBP2 antisense RNA 1; plus strand). Cytogenetic location: 13q22.3.
Variant type: single nucleotide variant.
Coding change: c.11481G>A on transcript NM_015057.5 (MANE Select); coding-DNA position 11481, G replaced by A.
Protein change: p.Lys3827=; no amino-acid change (lysine 3827 retained).
Molecular consequence: synonymous variant.
Genome position (GRCh38, 1-based): chr13:77,078,827, C>T on the plus strand (G>A on the coding strand, the complement: MYCBP2 is on the minus strand). VCF-style: chr13-77078827-C-T. GRCh37 (hg19) VCF-style: chr13-77652962-C-T.
Identifiers: ClinVar variation 4983793 (VCV004983793.1).